The following is an entry in ClinVar:

NM_017617.5(NOTCH1):c.1629C>T (p.Cys543=)

Gene: NOTCH1 (notch receptor 1; minus strand). Cytogenetic location: 9q34.3.
Variant type: single nucleotide variant.
Coding change: c.1629C>T on transcript NM_017617.5 (MANE Select); coding-DNA position 1629, C replaced by T.
Protein change: p.Cys543=; no amino-acid change (cysteine 543 retained).
Molecular consequence: synonymous variant.
Genome position (GRCh38, 1-based): chr9:136,516,021, G>A on the plus strand (C>T on the coding strand, the complement: NOTCH1 is on the minus strand). VCF-style: chr9-136516021-G-A. GRCh37 (hg19) VCF-style: chr9-139410473-G-A.
Other names: c.1629C>T (NM_017617.3).
Identifiers: ClinVar variation 3056858 (VCV003056858.3), dbSNP rs1180264404, ClinGen allele CA467833750.

ClinVar aggregate classification (germline): Likely benign. Review status: criteria provided, single submitter (1 of 4 stars). 2 submissions from 2 submitters: Likely benign (1). 1 of the submissions does not count toward it. Last evaluated 2026-02-22.

Conditions:
NOTCH1-related disorder. Also called: NOTCH1-related condition; NOTCH1-related disorders.
Familial thoracic aortic aneurysm and aortic dissection (TAAD). Also called: Thoracic aortic aneurysms and dissections. Identifiers: Orphanet 91387, MedGen C4707243, MONDO:0019625.

Allele frequency attached by ClinVar (database versions not stated): gnomAD 0.00001; TOPMed 0.00001.
gnomAD v4.1: 1 of 1,611,952 alleles (0.000062%); highest among the groups gnomAD compares: Non-Finnish European, 0.000085%; no homozygotes.

Submissions (2):

Ambry Genetics
Classification: Likely benign for Familial thoracic aortic aneurysm and aortic dissection. Last evaluated: 2026-02-22. Review status: criteria provided, single submitter. Criteria: Ambry Variant Classification Scheme 2023. Collection method: clinical testing. Allele origin: germline.

PreventionGenetics, part of Exact Sciences
Classification: Likely benign for NOTCH1-related condition. Last evaluated: 2022-07-28. Review status: no assertion criteria provided. Collection method: clinical testing. Allele origin: germline. Not counted in ClinVar's aggregate classification.
Comment: This variant is classified as likely benign based on ACMG/AMP sequence variant interpretation guidelines (Richards et al. 2015 PMID: 25741868, with internal and published modifications).